The following is an entry in ClinVar:

NM_000448.3(RAG1):c.2009C>T (p.Thr670Met)

Gene: RAG1 (recombination activating 1; plus strand). Cytogenetic location: 11p12.
Variant type: single nucleotide variant.
Coding change: c.2009C>T on transcript NM_000448.3 (MANE Select); coding-DNA position 2009, C replaced by T.
Protein change: p.Thr670Met; replaces threonine 670 with methionine.
Molecular consequence: missense variant.
Genome position (GRCh38, 1-based): chr11:36,575,313, C>T. VCF-style: chr11-36575313-C-T. GRCh37 (hg19) VCF-style: chr11-36596863-C-T.
Other names: c.2009C>T, p.Thr670Met (NM_001377277.1, NM_001377278.1, NM_001377279.1 and 1 more transcripts); short protein forms T670M.
Identifiers: ClinVar variation 860379 (VCV000860379.7), dbSNP rs139863630, ClinGen allele CA5950202.

ClinVar aggregate classification (germline): Uncertain significance (1 of 4 stars; one submission).

Conditions:
Severe combined immunodeficiency, autosomal recessive, T cell-negative, B cell-negative, NK cell-positive. Also called: SCID, T CELL-NEGATIVE, B CELL-NEGATIVE, NK CELL-POSITIVE; SCID, AR, T-cell negative, B-cell negative, NK cell-positive; Severe combined immunodeficiency due to complete RAG1/2 deficiency. Identifiers: Orphanet 331206, MedGen C1832322, MONDO:0011086, OMIM 601457.
Combined immunodeficiency with skin granulomas. Identifiers: Orphanet 157949, MedGen C2673536, MONDO:0009306, OMIM 233650.

Allele frequency attached by ClinVar (database versions not stated): gnomAD 0.00003 and 0.00004; TOPMed 0.00005; ESP Exome Variant Server 0.00015.
gnomAD v4.1: 67 of 1,614,070 alleles (0.0042%); highest among the groups gnomAD compares: East Asian, 0.02%; no homozygotes.

Submission:

Labcorp Genetics (formerly Invitae), Labcorp
Classification: Uncertain significance for Combined immunodeficiency with skin granulomas; Severe combined immunodeficiency, autosomal recessive, T cell-negative, B cell-negative, NK cell-positive. Last evaluated: 2022-01-28. Review status: criteria provided, single submitter. Criteria: Invitae Variant Classification Sherloc (09022015). Collection method: clinical testing. Allele origin: germline.
Comment: This sequence change replaces threonine, which is neutral and polar, with methionine, which is neutral and non-polar, at codon 670 of the RAG1 protein (p.Thr670Met). The frequency data for this variant in the population databases is considered unreliable, as metrics indicate poor data quality at this position in the gnomAD database. This variant has not been reported in the literature in individuals affected with RAG1-related conditions. ClinVar contains an entry for this variant (Variation ID: 860379). Algorithms developed to predict the effect of missense changes on protein structure and function (SIFT, PolyPhen-2, Align-GVGD) all suggest that this variant is likely to be disruptive. In summary, the available evidence is currently insufficient to determine the role of this variant in disease. Therefore, it has been classified as a Variant of Uncertain Significance.